The following is an entry in ClinVar:

NM_001267550.2(TTN):c.91201G>A (p.Ala30401Thr)

Genes: TTN (titin; minus strand), TTN-AS1 (TTN antisense RNA 1; plus strand). Cytogenetic location: 2q31.2.
Variant type: single nucleotide variant.
Coding change: c.91201G>A on transcript NM_001267550.2 (MANE Select); coding-DNA position 91201, G replaced by A.
Protein change: p.Ala30401Thr; replaces alanine 30401 with threonine.
Molecular consequence: missense variant.
Genome position (GRCh38, 1-based): chr2:178,551,699, C>T on the plus strand (G>A on the coding strand, the complement: TTN is on the minus strand). VCF-style: chr2-178551699-C-T. GRCh37 (hg19) VCF-style: chr2-179416426-C-T.
Other names: c.86278G>A, p.Ala28760Thr (NM_001256850.1); c.64006G>A, p.Ala21336Thr (NM_003319.4); c.83497G>A, p.Ala27833Thr (NM_133378.4); c.64381G>A, p.Ala21461Thr (NM_133432.3); c.64582G>A, p.Ala21528Thr (NM_133437.4); short protein forms A30401T, A21336T, A21461T, A28760T, A21528T, A27833T.
Identifiers: ClinVar variation 4982937 (VCV004982937.1).

ClinVar aggregate classification (germline): Uncertain significance (1 of 4 stars; one submission).

Conditions:
TTN-related disorder. Also called: TTN-related disorders; TTN-related condition; TTN-related disease.

gnomAD v4.1: 9 of 1,613,092 alleles (0.00056%); highest among the groups gnomAD compares: South Asian, 0.0022%; no homozygotes.

Submission:

PreventionGenetics, part of Exact Sciences
Classification: Uncertain significance for TTN-related condition. Last evaluated: 2025-08-06. Review status: criteria provided, single submitter. Criteria: ACMG Guidelines, 2015. Collection method: clinical testing. Allele origin: germline.
Comment: The TTN c.91201G>A variant is predicted to result in the amino acid substitution p.Ala30401Thr. To our knowledge, this variant has not been reported in the literature or in a large population database (gnomAD), indicating this variant is rare. At this time, the clinical significance of this variant is uncertain due to the absence of conclusive functional and genetic evidence.